The following is an entry in ClinVar:

ClinVar aggregate classification (germline): Uncertain significance (1 of 4 stars; one submission).

Conditions:
Spinocerebellar ataxia type 29 (SCA29). Also called: CEREBELLAR ATAXIA, CONGENITAL NONPROGRESSIVE, AUTOSOMAL DOMINANT; Spinocerebellar ataxia 29, congenital nonprogressive. Identifiers: Orphanet 208513, MedGen C1861732, MONDO:0007298, OMIM 117360.

Allele frequency attached by ClinVar (database versions not stated): gnomAD exomes below 0.00001.
gnomAD v4.1: 2 of 1,612,520 alleles (0.00012%); highest among the groups gnomAD compares: Admixed American, 0.0033%; no homozygotes.

Submission:

New York Genome Center
Classification: Uncertain significance for Spinocerebellar ataxia type 29. Last evaluated: 2020-06-25. Review status: criteria provided, single submitter. Criteria: NYGC Assertion Criteria 2020. Collection method: clinical testing. Allele origin: inherited. Observed: 1 heterozygote. Study: CSER-NYCKidSeq.
Comment: The inherited heterozygous p.Arg376Pro missense variant identified in the ITPR1 gene has not been reported in affected individual in the literature. The variant is absent from the gnomAD database indicating it is an extremely rare allele in the general population. The affected Arg376 is highly conserved during evolution, is located within the IP3-binding domain [PMID: 28659154], and is predicted deleterious by multiple in silico tools. Functional studies have not been reported to evaluate the potential consequences of his variant. Based on the available evidence, the inherited p.Arg376Pro variant identified in the ITPR1 gene is assessed as a variant of uncertain significance.

NM_001378452.1(ITPR1):c.1127G>C (p.Arg376Pro)

Gene: ITPR1 (inositol 1,4,5-trisphosphate receptor type 1; plus strand). Cytogenetic location: 3p26.1.
Variant type: single nucleotide variant.
Coding change: c.1127G>C on transcript NM_001378452.1 (MANE Select); coding-DNA position 1127, G replaced by C.
Protein change: p.Arg376Pro; replaces arginine 376 with proline.
Molecular consequence: missense variant.
Genome position (GRCh38, 1-based): chr3:4,658,254, G>C. VCF-style: chr3-4658254-G-C. GRCh37 (hg19) VCF-style: chr3-4699938-G-C.
Other names: c.1082G>C, p.Arg361Pro (NM_002222.7, NM_001168272.2); c.1127G>C, p.Arg376Pro (NM_001099952.4); short protein forms R361P, R376P.
Identifiers: ClinVar variation 1341937 (VCV001341937.1), dbSNP rs1260045423, ClinGen allele CA351639926.